The following is an entry in ClinVar:

NM_005334.3(HCFC1):c.1813C>G (p.Pro605Ala)

Gene: HCFC1 (host cell factor C1; minus strand). Cytogenetic location: Xq28.
Variant type: single nucleotide variant.
Coding change: c.1813C>G on transcript NM_005334.3 (MANE Select); coding-DNA position 1813, C replaced by G.
Protein change: p.Pro605Ala; replaces proline 605 with alanine.
Molecular consequence: missense variant.
Genome position (GRCh38, 1-based): chrX:153,958,240, G>C on the plus strand (C>G on the coding strand, the complement: HCFC1 is on the minus strand). VCF-style: chrX-153958240-G-C. GRCh37 (hg19) VCF-style: chrX-153223691-G-C.
Other names: c.1813C>G, p.Pro605Ala (NM_001410705.1); short protein forms P605A.
Identifiers: ClinVar variation 2716236 (VCV002716236.4), dbSNP rs1557115716, ClinGen allele CA415134464.

ClinVar aggregate classification (germline): Conflicting classifications of pathogenicity. Review status: criteria provided, conflicting classifications (1 of 4 stars). 2 submissions from 2 submitters: Uncertain significance (1); Likely benign (1). Last evaluated 2024-12-10.

Conditions:
Methylmalonic acidemia with homocystinuria, type cblX (MAHCX). Also called: INTELLECTUAL DEVELOPMENTAL DISORDER, X-LINKED 3. Identifiers: Orphanet 369962, MedGen C0796208, MONDO:0010657, OMIM 309541.

Allele frequency attached by ClinVar (database versions not stated): gnomAD exomes below 0.00001; gnomAD 0.00001.
gnomAD v4.1: 5 of 1,206,839 alleles (0.00041%); highest among the groups gnomAD compares: Admixed American, 0.0022%; no homozygotes.

Submissions (2):

Women's Health and Genetics/Laboratory Corporation of America, LabCorp
Classification: Uncertain significance. Last evaluated: 2024-12-10. Review status: criteria provided, single submitter. Criteria: LabCorp Variant Classification Summary - May 2015. Collection method: clinical testing. Allele origin: germline.
Comment: Variant summary: HCFC1 c.1813C>G (p.Pro605Ala) results in a non-conservative amino acid change in the encoded protein sequence. Three of five in-silico tools predict a damaging effect of the variant on protein function. The variant was absent in 180006 control chromosomes. The available data on variant occurrences in the general population are insufficient to allow any conclusion about variant significance. To our knowledge, no occurrence of c.1813C>G in individuals affected with Methylmalonic Acidemia With Homocystinuria and no experimental evidence demonstrating its impact on protein function have been reported. ClinVar contains an entry for this variant (Variation ID: 2716236). Based on the evidence outlined above, the variant was classified as uncertain significance.

Labcorp Genetics (formerly Invitae), Labcorp
Classification: Likely benign for Methylmalonic acidemia with homocystinuria, type cblX. Last evaluated: 2023-10-14. Review status: criteria provided, single submitter. Criteria: Invitae Variant Classification Sherloc (09022015). Collection method: clinical testing. Allele origin: germline.